The following is an entry in ClinVar:

NM_000217.3(KCNA1):c.434C>T (p.Pro145Leu)

Gene: KCNA1 (potassium voltage-gated channel subfamily A member 1; plus strand). Cytogenetic location: 12p13.32.
Variant type: single nucleotide variant.
Coding change: c.434C>T on transcript NM_000217.3 (MANE Select); coding-DNA position 434, C replaced by T.
Protein change: p.Pro145Leu; replaces proline 145 with leucine.
Molecular consequence: missense variant.
Genome position (GRCh38, 1-based): chr12:4,911,812, C>T. VCF-style: chr12-4911812-C-T. GRCh37 (hg19) VCF-style: chr12-5020978-C-T.
Other names: short protein forms P145L.
Identifiers: ClinVar variation 2502780 (VCV002502780.1), dbSNP rs2497352294, ClinGen allele CA383454556.

ClinVar aggregate classification (germline): Uncertain significance (1 of 4 stars; one submission).

Submission:

GeneDx
Classification: Uncertain significance. Last evaluated: 2022-11-20. Review status: criteria provided, single submitter. Criteria: GeneDx Variant Classification Process June 2021. Collection method: clinical testing. Allele origin: germline. Affected: yes.
Comment: Not observed at significant frequency in large population cohorts (gnomAD); In silico analysis supports that this missense variant has a deleterious effect on protein structure/function; Has not been previously published as pathogenic or benign to our knowledge